The following is an entry in ClinVar:

ClinVar aggregate classification (germline): Pathogenic (1 of 4 stars; one submission).

Conditions:
Familial cancer of breast. Also called: BREAST CANCER, FAMILIAL; Hereditary breast cancer; hereditary breast carcinoma. Identifiers: Orphanet 227535, MedGen C0346153, MONDO:0016419, OMIM 114480. Disease mechanism: loss of function.

Submission:

Myriad Genetics, Inc.
Classification: Pathogenic for Familial cancer of breast. Last evaluated: 2023-04-14. Review status: criteria provided, single submitter. Criteria: Myriad Autosomal Dominant, Autosomal Recessive and X-Linked Classification Criteria (2023). Collection method: clinical testing. Allele origin: unknown.
Comment: This variant is considered pathogenic. This variant creates a frameshift predicted to result in premature protein truncation.

NM_000051.4(ATM):c.7372del (p.Asp2458fs)

Genes: ATM (ATM serine/threonine kinase; plus strand), C11orf65 (chromosome 11 open reading frame 65; minus strand). Cytogenetic location: 11q22.3.
Variant type: Deletion.
Coding change: c.7372del on transcript NM_000051.4 (MANE Select); coding-DNA position 7372, one base deleted (G; older notation c.7372delG).
Protein change: p.Asp2458fs; shifts the reading frame from aspartic acid 2458.
Molecular consequence: frameshift variant. On other transcripts: intron variant (2).
Genome position (GRCh38, 1-based): chr11:108,330,278, G deleted; the last of 2 consecutive G bases (chr11:108,330,277-108,330,278); deleting either gives the same sequence. VCF-style (leftmost placement, unchanged base first): chr11-108330276-AG-A. GRCh37 (hg19) VCF-style: chr11-108201003-AG-A.
Other names: c.7372del, p.Asp2458fs (NM_001351834.2); c.641-21206del (NM_001330368.2); c.*38+4943del (NM_001351110.2); short protein forms D2458fs.
Identifiers: ClinVar variation 2573275 (VCV002573275.1), dbSNP rs2547261731, ClinGen allele CA2580615034.
Genomic context (GRCh38, chr11:108,330,276, plus strand): 5'-ACACAGTAAAGGTTCAGCGAGAGCTGGAGTTGGATGAATTAGCCCTGCGTGCACTGAAAG[AG>A]GATCGTAAACGCTTCTTATGTAAAGCAGTTGAAAATTATATCAACTGCTTATTAAGTGGA-3'